The following is an entry in ClinVar:

ClinVar aggregate classification (germline): Uncertain significance (1 of 4 stars; one submission).

gnomAD v4.1: 1 of 1,547,212 alleles (0.000065%); no homozygotes.

Submission:

GeneDx
Classification: Uncertain significance. Last evaluated: 2023-01-13. Review status: criteria provided, single submitter. Criteria: GeneDx Variant Classification Process June 2021. Collection method: clinical testing. Allele origin: germline. Affected: yes.
Comment: Not observed at significant frequency in large population cohorts (gnomAD); In silico analysis supports that this missense variant does not alter protein structure/function; Has not been previously published as pathogenic or benign to our knowledge

NM_001371928.1(AHDC1):c.4790C>G (p.Thr1597Arg)

Gene: AHDC1 (AT-hook DNA binding motif containing 1; minus strand). Cytogenetic location: 1p36.11.
Variant type: single nucleotide variant.
Coding change: c.4790C>G on transcript NM_001371928.1 (MANE Select); coding-DNA position 4790, C replaced by G.
Protein change: p.Thr1597Arg; replaces threonine 1597 with arginine.
Molecular consequence: missense variant.
Genome position (GRCh38, 1-based): chr1:27,547,326, G>C on the plus strand (C>G on the coding strand, the complement: AHDC1 is on the minus strand). VCF-style: chr1-27547326-G-C. GRCh37 (hg19) VCF-style: chr1-27873837-G-C.
Other names: c.4790C>G, p.Thr1597Arg (NM_001029882.3); c.746C>G, p.Thr249Arg (NM_015699.1); short protein forms T1597R, T249R.
Identifiers: ClinVar variation 2572889 (VCV002572889.1), dbSNP rs2019213941, ClinGen allele CA339219923.